The following is an entry in ClinVar:

NM_001037.5(SCN1B):c.497T>G (p.Leu166Arg)

Gene: SCN1B (sodium voltage-gated channel beta subunit 1; plus strand). Cytogenetic location: 19q13.11.
Variant type: single nucleotide variant.
Coding change: c.497T>G on transcript NM_001037.5 (MANE Select); coding-DNA position 497, T replaced by G.
Protein change: p.Leu166Arg; replaces leucine 166 with arginine.
Molecular consequence: missense variant.
Genome position (GRCh38, 1-based): chr19:35,039,165, T>G. VCF-style: chr19-35039165-T-G. GRCh37 (hg19) VCF-style: chr19-35530069-T-G.
Other names: c.398T>G, p.Leu133Arg (NM_001321605.2); short protein forms L133R, L166R.
Identifiers: ClinVar variation 4721305 (VCV004721305.1).
Genomic context (GRCh38, chr19:35,039,165, plus strand): 5'-TGGCCCCTGCAGCCAACAGAGACATGGCATCCATCGTGTCTGAGATCATGATGTATGTGC[T>G]CATTGTGGTGTTGACCATATGGCTCGTGGCAGAGATGATTTACTGCTACAAGAAGATCGC-3'
Protein context (NP_001028.1, residues 156-176): SIVSEIMMYV[Leu166Arg]IVVLTIWLVA

ClinVar aggregate classification (germline): Uncertain significance (1 of 4 stars; one submission).

Conditions:
Brugada syndrome 5 (BRGDA5). Identifiers: Orphanet 130, Orphanet 871, MedGen C2748541, MONDO:0013015, OMIM 612838.

Submission:

Labcorp Genetics (formerly Invitae), Labcorp
Classification: Uncertain significance for Brugada syndrome 5. Last evaluated: 2025-06-11. Review status: criteria provided, single submitter. Criteria: Invitae Variant Classification Sherloc (09022015). Collection method: clinical testing. Allele origin: germline.
Comment: The SCN1B gene has multiple clinically relevant transcripts. This variant occurs in alternate transcript NM_001037.5, and corresponds to NM_199037.3:c.*5067T>G in the primary transcript. This sequence change replaces leucine, which is neutral and non-polar, with arginine, which is basic and polar, at codon 166 of the SCN1B protein (p.Leu166Arg). This variant is not present in population databases (gnomAD no frequency). This variant has not been reported in the literature in individuals affected with SCN1B-related conditions. Experimental studies and prediction algorithms are not available or were not evaluated, and the functional significance of this variant is currently unknown. In summary, the available evidence is currently insufficient to determine the role of this variant in disease. Therefore, it has been classified as a Variant of Uncertain Significance.